The following is an entry in ClinVar:

ClinVar aggregate classification (germline): Likely benign (1 of 4 stars; one submission).

Allele frequency attached by ClinVar (database versions not stated): TOPMed 0.00008.
gnomAD v4.1: 206 of 1,538,754 alleles (0.013%); highest among the groups gnomAD compares: East Asian, 0.054%; no homozygotes.

Submission:

CeGaT Center for Human Genetics Tuebingen
Classification: Likely benign. Last evaluated: 2022-12-01. Review status: criteria provided, single submitter. Criteria: CeGaT Center For Human Genetics Tuebingen Variant Classification Criteria Version 2. Collection method: clinical testing. Allele origin: germline. Affected: yes. Observed: 1 variant allele.
Comment: CAPN15: BP4, BP7

NM_005632.3(CAPN15):c.2784G>A (p.Pro928=)

Gene: CAPN15 (calpain 15; plus strand). Cytogenetic location: 16p13.3.
Variant type: single nucleotide variant.
Coding change: c.2784G>A on transcript NM_005632.3 (MANE Select); coding-DNA position 2784, G replaced by A.
Protein change: p.Pro928=; no amino-acid change (proline 928 retained).
Molecular consequence: synonymous variant.
Genome position (GRCh38, 1-based): chr16:552,651, G>A. VCF-style: chr16-552651-G-A. GRCh37 (hg19) VCF-style: chr16-602651-G-A.
Identifiers: ClinVar variation 2645820 (VCV002645820.24), dbSNP rs771914553, ClinGen allele CA7778940.
Genomic context (GRCh38, chr16:552,651, plus strand): 5'-GCCCGTCCTTGTAGCCTCCAGCCCCTCGGCAGGGGTCCCGAGAGCCTCCCCAGAGCCGCC[G>A]GGCCACGTGCTGGCTGTGTACAGCTCGAGGCTGGTCATGGTGGAGCCCGTGGAAGCCCAG-3'
Protein context (NP_005623.1, residues 918-938): AGVPRASPEP[Pro928=]GHVLAVYSSR